The following is an entry in ClinVar:

ClinVar aggregate classification (germline): Pathogenic (1 of 4 stars; one submission).

Conditions:
Alpha-N-acetylgalactosaminidase deficiency. Identifiers: Orphanet 3137, MedGen C5848084, MONDO:0017779.

Submission:

Myriad Genetics, Inc.
Classification: Pathogenic for Alpha-N-acetylgalactosaminidase deficiency. Last evaluated: 2026-08-26. Review status: criteria provided, single submitter. Criteria: Myriad Autosomal Dominant, Autosomal Recessive and X-Linked Classification Criteria (2023). Collection method: clinical testing. Allele origin: unknown.
Comment: NM_000262.2(NAGA):c.593dupC(R199Kfs*16) is a frameshift variant classified as pathogenic in the context of NAGA-related disorders. R199Kfs*16 has not been observed in cases with relevant disease. Relevant functional assessments of this variant are not available in the literature. R199Kfs*16 has not been observed in referenced population frequency databases. In summary, NM_000262.2(NAGA):c.593dupC(R199Kfs*16) is a frameshift variant in a gene where loss of function is a known mechanism of disease and is predicted to disrupt protein function. Please note: this variant was assessed in the context of healthy population screening.

NM_000262.3(NAGA):c.593dup (p.Arg199fs)

Genes: NAGA (alpha-N-acetylgalactosaminidase; minus strand), LOC126863160 (CDK7 strongly-dependent group 2 enhancer GRCh37_chr22:42462918-42464117; plus strand). Cytogenetic location: 22q13.2.
Variant type: Duplication.
Coding change: c.593dup on transcript NM_000262.3 (MANE Select); coding-DNA position 593, one base duplicated (C; older notation c.593dupC).
Protein change: p.Arg199fs; shifts the reading frame from arginine 199.
Molecular consequence: frameshift variant.
Genome position (GRCh38, 1-based): chr22:42,066,714, G duplicated on the plus strand (C on the coding strand, the reverse complement: NAGA is on the minus strand); the first of 6 consecutive G bases (chr22:42,066,714-42,066,719); duplicating any one gives the same sequence. VCF-style (leftmost placement, unchanged base first): chr22-42066713-T-TG. GRCh37 (hg19) VCF-style: chr22-42462717-T-TG.
Other names: c.593dup, p.Arg199fs (NM_001362848.1, NM_001362850.1); short protein forms R199fs.
Identifiers: ClinVar variation 5004557 (VCV005004557.1).